The following is an entry in ClinVar:

NM_001145358.2(SIN3A):c.3639G>C (p.Trp1213Cys)

Gene: SIN3A (SIN3 transcription regulator family member A; minus strand). Cytogenetic location: 15q24.2.
Variant type: single nucleotide variant.
Coding change: c.3639G>C on transcript NM_001145358.2 (MANE Select); coding-DNA position 3639, G replaced by C.
Protein change: p.Trp1213Cys; replaces tryptophan 1213 with cysteine.
Molecular consequence: missense variant.
Genome position (GRCh38, 1-based): chr15:75,372,162, C>G on the plus strand (G>C on the coding strand, the complement: SIN3A is on the minus strand). VCF-style: chr15-75372162-C-G. GRCh37 (hg19) VCF-style: chr15-75664503-C-G.
Other names: c.3639G>C, p.Trp1213Cys (NM_001145357.2, NM_015477.3); short protein forms W1213C.
Identifiers: ClinVar variation 3162316 (VCV003162316.3), dbSNP rs756528068, ClinGen allele CA7667185.

ClinVar aggregate classification (germline): Uncertain significance. Review status: criteria provided, multiple submitters, no conflicts (2 of 4 stars). 2 submissions from 2 submitters: Uncertain significance (2). Last evaluated 2024-06-24.

Conditions:
Inborn genetic diseases. Identifiers: MedGen C0950123, MeSH D030342.

Allele frequency attached by ClinVar (database versions not stated): ExAC 0.00001.
gnomAD v4.1: 10 of 1,614,044 alleles (0.00062%); highest among the groups gnomAD compares: South Asian, 0.0011%; no homozygotes.

Submissions (2):

Labcorp Genetics (formerly Invitae), Labcorp
Classification: Uncertain significance. Last evaluated: 2024-06-24. Review status: criteria provided, single submitter. Criteria: Invitae Variant Classification Sherloc (09022015). Collection method: clinical testing. Allele origin: germline.
Comment: This sequence change replaces tryptophan, which is neutral and slightly polar, with cysteine, which is neutral and slightly polar, at codon 1213 of the SIN3A protein (p.Trp1213Cys). This variant is present in population databases (rs756528068, gnomAD 0.003%). This variant has not been reported in the literature in individuals affected with SIN3A-related conditions. Advanced modeling of protein sequence and biophysical properties (such as structural, functional, and spatial information, amino acid conservation, physicochemical variation, residue mobility, and thermodynamic stability) performed at Invitae indicates that this missense variant is not expected to disrupt SIN3A protein function with a negative predictive value of 80%. In summary, the available evidence is currently insufficient to determine the role of this variant in disease. Therefore, it has been classified as a Variant of Uncertain Significance.

Ambry Genetics
Classification: Uncertain significance for Inborn genetic diseases. Last evaluated: 2023-09-29. Review status: criteria provided, single submitter. Criteria: Ambry Variant Classification Scheme 2023. Collection method: clinical testing. Allele origin: germline.